The following is an entry in ClinVar:

NM_000540.3(RYR1):c.4419G>A (p.Val1473=)

Gene: RYR1 (ryanodine receptor 1; plus strand). Cytogenetic location: 19q13.2.
Variant type: single nucleotide variant.
Coding change: c.4419G>A on transcript NM_000540.3 (MANE Select); coding-DNA position 4419, G replaced by A.
Protein change: p.Val1473=; no amino-acid change (valine 1473 retained).
Molecular consequence: synonymous variant.
Genome position (GRCh38, 1-based): chr19:38,477,835, G>A. VCF-style: chr19-38477835-G-A. GRCh37 (hg19) VCF-style: chr19-38968475-G-A.
Other names: c.4419G>A, p.Val1473= (NM_001042723.2).
Identifiers: ClinVar variation 1143749 (VCV001143749.10), dbSNP rs2145503022, ClinGen allele CA081524.

ClinVar aggregate classification (germline): Likely benign. Review status: criteria provided, multiple submitters, no conflicts (2 of 4 stars). 2 submissions from 2 submitters: Likely benign (2). Last evaluated 2022-12-07.

Conditions:
RYR1-related disorder. Also called: RYR1-related condition; RYR1-related disorders. Identifiers: MedGen CN239331.
Malignant hyperthermia, susceptibility to, 1 (MHS1). Also called: Anesthesia related hyperthermia; Malignant hyperpyrexia; Fulminating hyperpyrexia; Pharmacogenic myopathy; RYR1-Related Malignant Hyperthermia Susceptibility; Malignant hyperthermia suceptibility 1. Identifiers: Orphanet 423, MedGen C2930980, MONDO:0007783, OMIM 145600.

Allele frequency attached by ClinVar (database versions not stated): gnomAD exomes below 0.00001.
gnomAD v4.1: 1 of 1,569,020 alleles (0.000064%); highest among the groups gnomAD compares: Non-Finnish European, 0.000087%; no homozygotes.

Submissions (2):

All of Us Research Program, National Institutes of Health
Classification: Likely benign for Malignant hyperthermia, susceptibility to, 1. Last evaluated: 2022-12-07. Review status: criteria provided, single submitter. Criteria: ACMG Guidelines, 2015. Collection method: clinical testing. Allele origin: germline. Inheritance: Autosomal dominant inheritance. Observed: 1 variant allele, 1 heterozygote.
Comment: This study involves interpretation of variants in research participants for the purpose of population health screening. Participant phenotype was not available at the time of variant classification. Additional details can be found in publication PMID: 35346344, PMCID: PMC8962531

Labcorp Genetics (formerly Invitae), Labcorp
Classification: Likely benign for RYR1-related disorder. Last evaluated: 2019-08-29. Review status: criteria provided, single submitter. Criteria: Invitae Variant Classification Sherloc (09022015). Collection method: clinical testing. Allele origin: germline.